The following is an entry in ClinVar:

ClinVar aggregate classification (germline): Uncertain significance. Review status: criteria provided, multiple submitters, no conflicts (2 of 4 stars). 2 submissions from 2 submitters: Uncertain significance (2). Last evaluated 2024-10-22.

Conditions:
Inborn genetic diseases. Identifiers: MedGen C0950123, MeSH D030342.
ALG3-congenital disorder of glycosylation. Also called: CDG Id; CARBOHYDRATE-DEFICIENT GLYCOPROTEIN SYNDROME, TYPE IV; CDGS, TYPE IV; ALG3-CDG; CONGENITAL DISORDER OF GLYCOSYLATION, TYPE Id. Identifiers: Orphanet 79321, MedGen C1832736, MONDO:0010998, OMIM 601110.

Allele frequency attached by ClinVar (database versions not stated): gnomAD exomes 0.00006 and 0.00007; ExAC 0.00007; gnomAD 0.00007; ESP Exome Variant Server 0.00008; TOPMed 0.00008.

Submissions (2):

Labcorp Genetics (formerly Invitae), Labcorp
Classification: Uncertain significance for ALG3-congenital disorder of glycosylation. Last evaluated: 2024-10-22. Review status: criteria provided, single submitter. Criteria: Invitae Variant Classification Sherloc (09022015). Collection method: clinical testing. Allele origin: germline.
Comment: This sequence change replaces valine, which is neutral and non-polar, with isoleucine, which is neutral and non-polar, at codon 415 of the ALG3 protein (p.Val415Ile). This variant is present in population databases (rs375976807, gnomAD 0.02%). This variant has not been reported in the literature in individuals affected with ALG3-related conditions. ClinVar contains an entry for this variant (Variation ID: 962232). Invitae Evidence Modeling of protein sequence and biophysical properties (such as structural, functional, and spatial information, amino acid conservation, physicochemical variation, residue mobility, and thermodynamic stability) indicates that this missense variant is not expected to disrupt ALG3 protein function with a negative predictive value of 80%. In summary, the available evidence is currently insufficient to determine the role of this variant in disease. Therefore, it has been classified as a Variant of Uncertain Significance.

Ambry Genetics
Classification: Uncertain significance for Inborn genetic diseases. Last evaluated: 2024-04-06. Review status: criteria provided, single submitter. Criteria: Ambry Variant Classification Scheme 2023. Collection method: clinical testing. Allele origin: germline.

NM_005787.6(ALG3):c.1243G>A (p.Val415Ile)

Gene: ALG3 (ALG3 alpha-1,3- mannosyltransferase; minus strand). Cytogenetic location: 3q27.1.
Variant type: single nucleotide variant.
Coding change: c.1243G>A on transcript NM_005787.6 (MANE Select); coding-DNA position 1243, G replaced by A.
Protein change: p.Val415Ile; replaces valine 415 with isoleucine.
Molecular consequence: missense variant. On other transcripts: non-coding transcript variant (2).
Genome position (GRCh38, 1-based): chr3:184,242,588, C>T on the plus strand (G>A on the coding strand, the complement: ALG3 is on the minus strand). VCF-style: chr3-184242588-C-T. GRCh37 (hg19) VCF-style: chr3-183960376-C-T.
Other names: c.1099G>A, p.Val367Ile (NM_001006941.2); short protein forms V415I, V367I.
Identifiers: ClinVar variation 962232 (VCV000962232.6), dbSNP rs375976807, ClinGen allele CA2729272.